The following is an entry in ClinVar:

NM_001195263.2(PDZD7):c.2319TAGCCGCAGCCG[1] (p.773RS[4])

Gene: PDZD7 (PDZ domain containing 7; minus strand). Cytogenetic location: 10q24.31.
Variant type: Microsatellite.
Coding change: c.2319TAGCCGCAGCCG[1] on transcript NM_001195263.2 (MANE Select); one copy of the 12-base unit TAGCCGCAGCCG starting at c.2319; the reference has two copies in a row; one copy, 12 bases deleted.
Protein change: p.773RS[4].
Molecular consequence: inframe deletion.
Genome position (GRCh38, 1-based): chr10:101,010,547-101,010,558, CGGCTGCGGCTA deleted on the plus strand (TAGCCGCAGCCG on the coding strand, the reverse complement: PDZD7 is on the minus strand); deleting any 12 consecutive bases within chr10:101,010,547-101,010,575 gives the same sequence; the position shown is the placement nearest the transcript's 3' end. VCF-style (leftmost placement, unchanged base first): chr10-101010546-GCGGCTGCGGCTA-G. GRCh37 (hg19) VCF-style: chr10-102770303-GCGGCTGCGGCTA-G.
Other names: c.2331_2342del12 (NM_001195263.1).
Identifiers: ClinVar variation 666909 (VCV000666909.17), dbSNP rs762000985, ClinGen allele CA212978648.
Genomic context (GRCh38, chr10:101,010,546, plus strand): 5'-AGGCACCGGGGATGGGGAGCGTCTACCTGGAGACTTGCCTTGACCCCGGCTGCTGCGGCT[GCGGCTGCGGCTA>G]CGGCTGCGGCTACGGCTCTGAGCCCGGCCCCGGATCTGGCTCTGCGGAGGGTGCTCTCGG-3'

ClinVar aggregate classification (germline): Conflicting classifications of pathogenicity. Review status: criteria provided, conflicting classifications (1 of 4 stars). 5 submissions from 5 submitters: Uncertain significance (3); Likely benign (2). Last evaluated 2026-06-03.

Conditions:
Hearing loss, autosomal recessive 57. Also called: DEAFNESS, AUTOSOMAL RECESSIVE 57. Identifiers: MedGen C4693893, MONDO:0033201, OMIM 618003.
PDZD7-related disorder. Also called: PDZD7-related condition; PDZD7-related disorders.

Submissions (5):

PreventionGenetics, part of Exact Sciences
Classification: Uncertain significance for PDZD7-related condition. Last evaluated: 2026-06-03. Review status: criteria provided, single submitter. Criteria: ACMG Guidelines, 2015. Collection method: clinical testing. Allele origin: germline.
Comment: The PDZD7 c.2331_2342del12 variant is predicted to result in an in-frame deletion (p.Arg781_Ser784del). This variant was reported in the homozygous state in an individual with non-syndromic hearing loss, although this patient also had potentially causative variants in another gene (Table S2, Sommen et al. 2016. PubMed ID: 27068579). This variant is reported in 0.0058% of alleles in individuals of European (Non-Finnish) descent in gnomAD. This variant occurs in a repetitive region in which other in frame deletions are interpreted as benign. Although we suspect that this variant may be benign, at this time, the clinical significance of this variant is uncertain due to the absence of conclusive functional and genetic evidence.

Labcorp Genetics (formerly Invitae), Labcorp
Classification: Likely benign. Last evaluated: 2026-01-27. Review status: criteria provided, single submitter. Criteria: Invitae Variant Classification Sherloc (09022015). Collection method: clinical testing. Allele origin: germline.

Blueprint Genetics
Classification: Uncertain significance. Last evaluated: 2023-12-15. Review status: criteria provided, single submitter. Criteria: ACMG Guidelines, 2015. Collection method: clinical testing. Allele origin: germline.

Laboratory for Molecular Medicine, Mass General Brigham Personalized Medicine
Classification: Uncertain significance. Last evaluated: 2019-03-05. Review status: criteria provided, single submitter. Criteria: LMM Criteria. Collection method: clinical testing. Allele origin: germline. Observed: 2 variant alleles.
Comment: Variant classified as Uncertain Significance - Favor Benign. The p.Arg781_Ser784del variant in PDZD7 has been reported in the homozygous state in 1 individual with hearing loss (Sommen 2016). It has also been identified in 0.006% (3/51380) of European chromosomes by gnomAD. This variant is a deletion of 4 amino acids and is not predicted to alter the protein reading-frame. The deleted amino acids fall within a repetitive region that is poorly conserved, and a larger deletion within the same repeat (p.Arg779_Ser784del) is present at high frequency in gnomAD, suggesting that changes to this region may be tolerated. However, at this time we cannot rule out an impact on protein function. In summary, while the clinical significance of the p.Arg781_Ser784del variant is uncertain, these data suggest that it is more likely to be benign. ACMG/AMP criteria applied: PM2, BP3.

Genome-Nilou Lab
Classification: Likely benign for Hearing loss, autosomal recessive 57. Review status: criteria provided, single submitter. Criteria: ACMG Guidelines, 2015. Collection method: clinical testing. Allele origin: germline. Inheritance: Autosomal recessive inheritance. Affected: no.

Literature cited by the submitters: PubMed 27068579 (cited by Laboratory for Molecular Medicine, Mass General Brigham Personalized Medicine).